The following is an entry in ClinVar:

ClinVar aggregate classification (germline): Uncertain significance (1 of 4 stars; one submission).

Conditions:
RASopathy. Also called: rasopathies; Noonan spectrum disorder. Identifiers: Orphanet 536391, MedGen C5555857, MONDO:0021060.

Submission:

Labcorp Genetics (formerly Invitae), Labcorp
Classification: Uncertain significance for RASopathy. Last evaluated: 2021-07-09. Review status: criteria provided, single submitter. Criteria: Invitae Variant Classification Sherloc (09022015). Collection method: clinical testing. Allele origin: germline.
Comment: This sequence change replaces isoleucine with methionine at codon 204 of the MAP2K1 protein (p.Ile204Met). The isoleucine residue is highly conserved and there is a small physicochemical difference between isoleucine and methionine. This variant is not present in population databases (ExAC no frequency). This variant has not been reported in the literature in individuals with MAP2K1-related conditions. Advanced modeling of protein sequence and biophysical properties (such as structural, functional, and spatial information, amino acid conservation, physicochemical variation, residue mobility, and thermodynamic stability) performed at Invitae indicates that this missense variant is expected to disrupt MAP2K1 protein function. In summary, the available evidence is currently insufficient to determine the role of this variant in disease. Therefore, it has been classified as a Variant of Uncertain Significance.

NM_002755.4(MAP2K1):c.612C>G (p.Ile204Met)

Gene: MAP2K1 (mitogen-activated protein kinase kinase 1; plus strand). Cytogenetic location: 15q22.31.
Variant type: single nucleotide variant.
Coding change: c.612C>G on transcript NM_002755.4 (MANE Select); coding-DNA position 612, C replaced by G.
Protein change: p.Ile204Met; replaces isoleucine 204 with methionine.
Molecular consequence: missense variant.
Genome position (GRCh38, 1-based): chr15:66,481,798, C>G. VCF-style: chr15-66481798-C-G. GRCh37 (hg19) VCF-style: chr15-66774136-C-G.
Other names: short protein forms I204M.
Identifiers: ClinVar variation 1473963 (VCV001473963.8), dbSNP rs2140667598, ClinGen allele CA392936222.